The following is an entry in ClinVar:

NM_001367561.1(DOCK7):c.829G>A (p.Glu277Lys)

Gene: DOCK7 (dedicator of cytokinesis 7; minus strand). Cytogenetic location: 1p31.3.
Variant type: single nucleotide variant.
Coding change: c.829G>A on transcript NM_001367561.1 (MANE Select); coding-DNA position 829, G replaced by A.
Protein change: p.Glu277Lys; replaces glutamic acid 277 with lysine.
Molecular consequence: missense variant.
Genome position (GRCh38, 1-based): chr1:62,636,593, C>T on the plus strand (G>A on the coding strand, the complement: DOCK7 is on the minus strand). VCF-style: chr1-62636593-C-T. GRCh37 (hg19) VCF-style: chr1-63102264-C-T.
Other names: c.829G>A, p.Glu277Lys (NM_001271999.2, NM_001272000.2, NM_001272001.2 and 3 more transcripts); short protein forms E277K.
Identifiers: ClinVar variation 1021390 (VCV001021390.6), dbSNP rs1267091525, ClinGen allele CA340623262.

ClinVar aggregate classification (germline): Uncertain significance (1 of 4 stars; one submission).

Conditions:
Developmental and epileptic encephalopathy, 23 (DEE23). Also called: Epileptic encephalopathy, early infantile, 23. Identifiers: Orphanet 411986, MedGen C4014492, MONDO:0014371, OMIM 615859.

Allele frequency attached by ClinVar (database versions not stated): TOPMed 0.00001; gnomAD exomes below 0.00001; gnomAD 0.00001.
gnomAD v4.1: 13 of 1,598,386 alleles (0.00081%); highest among the groups gnomAD compares: Non-Finnish European, 0.0011%; no homozygotes.

Submission:

Labcorp Genetics (formerly Invitae), Labcorp
Classification: Uncertain significance for Developmental and epileptic encephalopathy, 23. Last evaluated: 2021-08-31. Review status: criteria provided, single submitter. Criteria: Invitae Variant Classification Sherloc (09022015). Collection method: clinical testing. Allele origin: germline.
Comment: This sequence change replaces glutamic acid with lysine at codon 277 of the DOCK7 protein (p.Glu277Lys). The glutamic acid residue is highly conserved and there is a small physicochemical difference between glutamic acid and lysine. This variant is not present in population databases (ExAC no frequency). This variant has not been reported in the literature in individuals affected with DOCK7-related conditions. Algorithms developed to predict the effect of missense changes on protein structure and function are either unavailable or do not agree on the potential impact of this missense change (SIFT: "Tolerated"; PolyPhen-2: "Probably Damaging"; Align-GVGD: "Class C0"). In summary, the available evidence is currently insufficient to determine the role of this variant in disease. Therefore, it has been classified as a Variant of Uncertain Significance.